The following is an entry in ClinVar:

ClinVar aggregate classification (germline): Uncertain significance. Review status: criteria provided, multiple submitters, no conflicts (2 of 4 stars). 7 submissions from 7 submitters: Uncertain significance (6). 1 of the submissions does not count toward it. Last evaluated 2026-03-04.

Conditions:
CFTR-related disorder (CFTR-RD). Also called: CFTR-related disorders; CFTR-related condition. Identifiers: MedGen C5924204, MONDO:7770004.
Cystic fibrosis (CF). Also called: MUCOVISCIDOSIS. Identifiers: Orphanet 586, MedGen C0010674, MONDO:0009061, OMIM 219700. Disease mechanism: loss of function.

Allele frequency attached by ClinVar (database versions not stated): gnomAD exomes 0.00001; TOPMed 0.00001; ExAC 0.00002; gnomAD 0.00002.
gnomAD v4.1: 8 of 1,613,890 alleles (0.0005%); highest among the groups gnomAD compares: South Asian, 0.0044%; no homozygotes.

Submissions (7):

Women's Health and Genetics/Laboratory Corporation of America, LabCorp
Classification: Uncertain significance. Last evaluated: 2026-03-04. Review status: criteria provided, single submitter. Criteria: LabCorp Variant Classification Summary - May 2015. Collection method: clinical testing. Allele origin: germline.
Comment: Variant summary: CFTR c.2629T>G (p.Ser877Ala) results in a conservative amino acid change located in the ABC transporter type 1, transmembrane domain of the encoded protein sequence. Algorithms developed to predict the effect of missense changes on protein structure and function are either unavailable or do not agree on the potential impact of this missense change. The variant allele was found at a frequency of 8e-06 in 251478 control chromosomes. The available data on variant occurrences in the general population are insufficient to allow any conclusion about variant significance. c.2629T>G has been observed in a comound heterozygous individual affected with respiratory symptoms with negative sweat chloride test (Yiallouros_2025) and in a newborn screening with limited information (Lefterova_2016). These report(s) do not provide unequivocal conclusions about association of the variant with Cystic Fibrosis. To our knowledge, no experimental evidence demonstrating an impact on protein function has been reported. The following publications have been ascertained in the context of this evaluation (PMID: 26847993, 34600583).ClinVar contains an entry for this variant (Variation ID: 455771). Based on the evidence outlined above, the variant was classified as uncertain significance.

Ambry Genetics
Classification: Uncertain significance for Cystic fibrosis. Last evaluated: 2026-02-03. Review status: criteria provided, single submitter. Criteria: Ambry Variant Classification Scheme 2023. Collection method: clinical testing. Allele origin: germline.
Comment: The p.S877A variant (also known as c.2629T>G), located in coding exon 16 of the CFTR gene, results from a T to G substitution at nucleotide position 2629. The serine at codon 877 is replaced by alanine, an amino acid with similar properties. This amino acid position is well conserved in available vertebrate species. In addition, the in silico prediction for this alteration is inconclusive. Based on the available evidence, the clinical significance of this variant remains unclear.

Labcorp Genetics (formerly Invitae), Labcorp
Classification: Uncertain significance for Cystic fibrosis. Last evaluated: 2025-10-19. Review status: criteria provided, single submitter. Criteria: Invitae Variant Classification Sherloc (09022015). Collection method: clinical testing. Allele origin: germline.
Comment: This sequence change replaces serine, which is neutral and polar, with alanine, which is neutral and non-polar, at codon 877 of the CFTR protein (p.Ser877Ala). This variant is present in population databases (rs761531223, gnomAD 0.006%). This variant has not been reported in the literature in individuals affected with CFTR-related conditions. ClinVar contains an entry for this variant (Variation ID: 455771). Invitae Evidence Modeling of protein sequence and biophysical properties (such as structural, functional, and spatial information, amino acid conservation, physicochemical variation, residue mobility, and thermodynamic stability) indicates that this missense variant is not expected to disrupt CFTR protein function with a negative predictive value of 80%. In summary, the available evidence is currently insufficient to determine the role of this variant in disease. Therefore, it has been classified as a Variant of Uncertain Significance.

Mayo Clinic Laboratories, Mayo Clinic
Classification: Uncertain significance. Last evaluated: 2025-08-04. Review status: criteria provided, single submitter. Criteria: ACMG Guidelines, 2015. Collection method: clinical testing. Allele origin: germline. Observed: 1 variant allele.

Quest Diagnostics Nichols Institute San Juan Capistrano
Classification: Uncertain significance. Last evaluated: 2025-04-24. Review status: criteria provided, single submitter. Criteria: Quest Diagnostics criteria. Collection method: clinical testing. Allele origin: unknown.
Comment: The CFTR c.2629T>G (p.Ser877Ala) variant has been reported in the published literature in a compound heterozygous state with a CFTR pathogenic variant in an individual with CFTR-related disease (PMID: 34600583 (2021)). This variant has also been reported in individuals with positive cystic fibrosis newborn screening results (PMID: 33572515 (2021)). The frequency of this variant in the general population (Genome Aggregation Database) is uninformative in the assessment of its pathogenicity. Analysis of this variant using bioinformatics tools for the prediction of the effect of amino acid changes on protein structure and function yielded predictions that this variant is benign. Based on the available information, we are unable to determine the clinical significance of this variant.

Genome-Nilou Lab
Classification: Uncertain significance for Cystic fibrosis. Last evaluated: 2021-09-05. Review status: criteria provided, single submitter. Criteria: ACMG Guidelines, 2015. Collection method: clinical testing. Allele origin: germline. Affected: no.

Natera, Inc.
Classification: Uncertain significance for CFTR-related disorders. Last evaluated: 2019-01-28. Review status: no assertion criteria provided. Collection method: clinical testing. Allele origin: germline. Not counted in ClinVar's aggregate classification.

Literature cited by the submitters: PubMed 26847993 (cited by 3 submitters); PubMed 34600583 (cited by 3 submitters); PubMed 33572515 (cited by Mayo Clinic Laboratories, Mayo Clinic and Quest Diagnostics Nichols Institute San Juan Capistrano).

NM_000492.4(CFTR):c.2629T>G (p.Ser877Ala)

Gene: CFTR (CF transmembrane conductance regulator; plus strand). Cytogenetic location: 7q31.2.
Variant type: single nucleotide variant.
Coding change: c.2629T>G on transcript NM_000492.4 (MANE Select); coding-DNA position 2629, T replaced by G.
Protein change: p.Ser877Ala; replaces serine 877 with alanine.
Molecular consequence: missense variant.
Genome position (GRCh38, 1-based): chr7:117,602,835, T>G. VCF-style: chr7-117602835-T-G. GRCh37 (hg19) VCF-style: chr7-117242889-T-G.
Other names: p.Ser877Ala; short protein forms S877A.
Identifiers: ClinVar variation 455771 (VCV000455771.13), dbSNP rs761531223, ClinGen allele CA4451251.